The following is an entry in ClinVar:

ClinVar aggregate classification (germline): Conflicting classifications of pathogenicity. Review status: criteria provided, conflicting classifications (1 of 4 stars). 6 submissions from 6 submitters: Uncertain significance (4); Likely benign (1). 1 of the submissions does not count toward it. Last evaluated 2025-10-15.

Conditions:
RAD50-related disorder. Also called: RAD50-related condition.
Hereditary cancer-predisposing syndrome. Also called: Neoplastic Syndromes, Hereditary; Tumor predisposition; Hereditary Cancer Syndrome; Hereditary neoplastic syndrome. Identifiers: Orphanet 140162, MedGen C0027672, MeSH D009386, MONDO:0015356.
Nijmegen breakage syndrome-like disorder (NBSLD). Also called: MICROCEPHALY AND SPONTANEOUS CHROMOSOME INSTABILITY WITHOUT IMMUNODEFICIENCY; NBS-LIKE DISORDER; RAD50 DEFICIENCY. Identifiers: Orphanet 240760, MedGen C2751318, MONDO:0013118, OMIM 613078.

Allele frequency attached by ClinVar (database versions not stated): gnomAD exomes 0.00004 and 0.00006; ExAC 0.00005; TOPMed 0.00021; gnomAD 0.00027 and 0.00030; ESP Exome Variant Server 0.00046.

Submissions (6):

Labcorp Genetics (formerly Invitae), Labcorp
Classification: Uncertain significance for Hereditary cancer-predisposing syndrome. Last evaluated: 2025-10-15. Review status: criteria provided, single submitter. Criteria: Invitae Variant Classification Sherloc (09022015). Collection method: clinical testing. Allele origin: germline.
Comment: This sequence change replaces arginine, which is basic and polar, with histidine, which is basic and polar, at codon 385 of the RAD50 protein (p.Arg385His). This variant is present in population databases (rs150030986, gnomAD 0.05%). This variant has not been reported in the literature in individuals affected with RAD50-related conditions. ClinVar contains an entry for this variant (Variation ID: 141912). An algorithm developed to predict the effect of missense changes on protein structure and function outputs the following: PolyPhen-2: "Benign". The histidine amino acid residue is found in multiple mammalian species, which suggests that this missense change does not adversely affect protein function. In summary, the available evidence is currently insufficient to determine the role of this variant in disease. Therefore, it has been classified as a Variant of Uncertain Significance.

GeneDx
Classification: Uncertain significance. Last evaluated: 2024-11-08. Review status: criteria provided, single submitter. Criteria: GeneDx Variant Classification Process June 2021. Collection method: clinical testing. Allele origin: germline. Affected: yes.
Comment: In silico analysis indicates that this missense variant does not alter protein structure/function; This variant is associated with the following publications: (PMID: 33057194, 35982159, 30982232)

Baylor Genetics
Classification: Uncertain significance for Nijmegen breakage syndrome-like disorder. Last evaluated: 2023-09-19. Review status: criteria provided, single submitter. Criteria: ACMG Guidelines, 2015. Collection method: clinical testing. Allele origin: unknown.

Quest Diagnostics Nichols Institute San Juan Capistrano
Classification: Uncertain significance. Last evaluated: 2022-07-25. Review status: criteria provided, single submitter. Criteria: Quest Diagnostics criteria. Collection method: clinical testing. Allele origin: unknown.
Comment: To the best of our knowledge, the variant has not been reported in the published literature. The frequency of this variant in the general population, 0.0006 (15/24964 chromosomes in African/African American subpopulation), is higher than would generally be expected for pathogenic variants in this gene. Analysis of this variant using bioinformatics tools for the prediction of the effect of amino acid changes on protein structure and function yielded predictions that this variant is benign. Based on the available information, we are unable to determine the clinical significance of this variant.

Ambry Genetics
Classification: Likely benign for Hereditary cancer-predisposing syndrome. Last evaluated: 2019-05-16. Review status: criteria provided, single submitter. Criteria: Ambry Variant Classification Scheme 2023. Collection method: clinical testing. Allele origin: germline.

PreventionGenetics, part of Exact Sciences
Classification: Uncertain significance for RAD50-related condition. Last evaluated: 2024-08-15. Review status: no assertion criteria provided. Collection method: clinical testing. Allele origin: germline. Not counted in ClinVar's aggregate classification.
Comment: The RAD50 c.1154G>A variant is predicted to result in the amino acid substitution p.Arg385His. To our knowledge, this variant is not reported in the literature. This variant is reported in 0.060% of alleles in individuals of African descent in gnomAD, which may be too common to be a primary cause of disease. This variant has conflicting classification of pathogenicity in ClinVar ranging from likely benign to uncertain significance. Although we suspect that this variant may be benign, at this time, the clinical significance of this variant is uncertain due to the absence of conclusive functional and genetic evidence.

NM_005732.4(RAD50):c.1154G>A (p.Arg385His)

Gene: RAD50 (RAD50 double strand break repair protein; plus strand). Cytogenetic location: 5q31.1.
Variant type: single nucleotide variant.
Coding change: c.1154G>A on transcript NM_005732.4 (MANE Select); coding-DNA position 1154, G replaced by A.
Protein change: p.Arg385His; replaces arginine 385 with histidine.
Molecular consequence: missense variant.
Genome position (GRCh38, 1-based): chr5:132,588,789, G>A. VCF-style: chr5-132588789-G-A. GRCh37 (hg19) VCF-style: chr5-131924481-G-A.
Other names: short protein forms R385H.
Identifiers: ClinVar variation 141912 (VCV000141912.19), dbSNP rs150030986, ClinGen allele CA166770.